The following is an entry in ClinVar:

ClinVar aggregate classification (germline): Uncertain significance. Review status: criteria provided, multiple submitters, no conflicts (2 of 4 stars). 2 submissions from 2 submitters: Uncertain significance (2). Last evaluated 2025-09-28.

Conditions:
Inborn genetic diseases. Identifiers: MedGen C0950123, MeSH D030342.
Hereditary sensory and autonomic neuropathy type 7. Also called: HSAN VII; Neuropathy, hereditary sensory and autonomic, type VII. Identifiers: Orphanet 391397, MedGen C3809882, MONDO:0014244, OMIM 615548.
Familial episodic pain syndrome with predominantly lower limb involvement. Also called: Episodic pain syndrome, familial, 3. Identifiers: Orphanet 391384, Orphanet 391392, MedGen C3809899, MONDO:0014247, OMIM 615552.

Allele frequency attached by ClinVar (database versions not stated): gnomAD 0.00001; TOPMed 0.00001; gnomAD exomes 0.00002 and 0.00001; ExAC 0.00002.

Submissions (2):

Ambry Genetics
Classification: Uncertain significance for Inborn genetic diseases. Last evaluated: 2025-09-28. Review status: criteria provided, single submitter. Criteria: Ambry Variant Classification Scheme 2023. Collection method: clinical testing. Allele origin: germline.

Labcorp Genetics (formerly Invitae), Labcorp
Classification: Uncertain significance for Familial episodic pain syndrome with predominantly lower limb involvement; Hereditary sensory and autonomic neuropathy type 7. Last evaluated: 2025-07-02. Review status: criteria provided, single submitter. Criteria: Invitae Variant Classification Sherloc (09022015). Collection method: clinical testing. Allele origin: germline.
Comment: This sequence change replaces aspartic acid, which is acidic and polar, with glutamic acid, which is acidic and polar, at codon 1616 of the SCN11A protein (p.Asp1616Glu). This variant is present in population databases (rs772508848, gnomAD 0.008%). This variant has not been reported in the literature in individuals affected with SCN11A-related conditions. ClinVar contains an entry for this variant (Variation ID: 1498689). Invitae Evidence Modeling of protein sequence and biophysical properties (such as structural, functional, and spatial information, amino acid conservation, physicochemical variation, residue mobility, and thermodynamic stability) indicates that this missense variant is not expected to disrupt SCN11A protein function with a negative predictive value of 80%. In summary, the available evidence is currently insufficient to determine the role of this variant in disease. Therefore, it has been classified as a Variant of Uncertain Significance.

NM_001349253.2(SCN11A):c.4848C>A (p.Asp1616Glu)

Gene: SCN11A (sodium voltage-gated channel alpha subunit 11; minus strand). Cytogenetic location: 3p22.2.
Variant type: single nucleotide variant.
Coding change: c.4848C>A on transcript NM_001349253.2 (MANE Select); coding-DNA position 4848, C replaced by A.
Protein change: p.Asp1616Glu; replaces aspartic acid 1616 with glutamic acid.
Molecular consequence: missense variant.
Genome position (GRCh38, 1-based): chr3:38,847,222, G>T on the plus strand (C>A on the coding strand, the complement: SCN11A is on the minus strand). VCF-style: chr3-38847222-G-T. GRCh37 (hg19) VCF-style: chr3-38888713-G-T.
Other names: c.4848C>A, p.Asp1616Glu (NM_014139.3); c.4848C>A (NM_014139.2); short protein forms D1616E.
Identifiers: ClinVar variation 1498689 (VCV001498689.7), dbSNP rs772508848, ClinGen allele CA2321449.